The following is an entry in ClinVar:

ClinVar aggregate classification (germline): Uncertain significance (1 of 4 stars; one submission).

Submission:

Labcorp Genetics (formerly Invitae), Labcorp
Classification: Uncertain significance. Last evaluated: 2024-02-19. Review status: criteria provided, single submitter. Criteria: Invitae Variant Classification Sherloc (09022015). Collection method: clinical testing. Allele origin: germline.
Comment: This sequence change replaces valine, which is neutral and non-polar, with alanine, which is neutral and non-polar, at codon 58 of the SNAI2 protein (p.Val58Ala). This variant is not present in population databases (gnomAD no frequency). This variant has not been reported in the literature in individuals affected with SNAI2-related conditions. An algorithm developed to predict the effect of missense changes on protein structure and function (PolyPhen-2) suggests that this variant is likely to be tolerated. In summary, the available evidence is currently insufficient to determine the role of this variant in disease. Therefore, it has been classified as a Variant of Uncertain Significance.

NM_003068.5(SNAI2):c.173T>C (p.Val58Ala)

Gene: SNAI2 (snail family transcriptional repressor 2; minus strand). Cytogenetic location: 8q11.21.
Variant type: single nucleotide variant.
Coding change: c.173T>C on transcript NM_003068.5 (MANE Select); coding-DNA position 173, T replaced by C.
Protein change: p.Val58Ala; replaces valine 58 with alanine.
Molecular consequence: missense variant.
Genome position (GRCh38, 1-based): chr8:48,920,348, A>G on the plus strand (T>C on the coding strand, the complement: SNAI2 is on the minus strand). VCF-style: chr8-48920348-A-G. GRCh37 (hg19) VCF-style: chr8-49832907-A-G.
Other names: short protein forms V58A.
Identifiers: ClinVar variation 3642071 (VCV003642071.2).
Genomic context (GRCh38, chr8:48,920,348, plus strand): 5'-CCGGAAAGAGGAGAGAGGCCATTGGGTAGCTGGGCGTGGAATGGAGCAGCGGTAGTCCAC[A>G]CAGTGATGGGGCTGTATGCTCCTGAGCTGAGGATCTCTGGTTGTGGTATGACAGGCATGG-3'
Protein context (NP_003059.1, residues 48-68): LSSGAYSPIT[Val58Ala]WTTAAPFHAQ